The following is an entry in ClinVar:

NM_002241.5(KCNJ10):c.1075G>T (p.Glu359Ter)

Gene: KCNJ10 (potassium inwardly rectifying channel subfamily J member 10; minus strand). Cytogenetic location: 1q23.2.
Variant type: single nucleotide variant.
Coding change: c.1075G>T on transcript NM_002241.5 (MANE Select); coding-DNA position 1075, G replaced by T.
Protein change: p.Glu359Ter; replaces glutamic acid 359 with a stop codon.
Molecular consequence: nonsense.
Genome position (GRCh38, 1-based): chr1:160,041,458, C>A on the plus strand (G>T on the coding strand, the complement: KCNJ10 is on the minus strand). VCF-style: chr1-160041458-C-A. GRCh37 (hg19) VCF-style: chr1-160011248-C-A.
Other names: short protein forms E359*.
Identifiers: ClinVar variation 1410838 (VCV001410838.8), dbSNP rs2101924563, ClinGen allele CA343222167.

ClinVar aggregate classification (germline): Uncertain significance (1 of 4 stars; one submission).

Conditions:
EAST syndrome (SESAMES). Also called: SEIZURES, SENSORINEURAL DEAFNESS, ATAXIA, IMPAIRED INTELLECTUAL DEVELOPMENT, AND ELECTROLYTE IMBALANCE. Identifiers: Orphanet 199343, MedGen C2748572, MONDO:0013005, OMIM 612780.

Submission:

Labcorp Genetics (formerly Invitae), Labcorp
Classification: Uncertain significance for EAST syndrome. Last evaluated: 2021-02-19. Review status: criteria provided, single submitter. Criteria: Invitae Variant Classification Sherloc (09022015). Collection method: clinical testing. Allele origin: germline.
Comment: This sequence change creates a premature translational stop signal (p.Glu359*) in the KCNJ10 gene. While this is not anticipated to result in nonsense mediated decay, it is expected to disrupt the last 21 amino acid(s) of the KCNJ10 protein. This variant is not present in population databases (ExAC no frequency). This variant has not been reported in the literature in individuals with KCNJ10-related conditions. Experimental studies and prediction algorithms are not available or were not evaluated, and the functional significance of this variant is currently unknown. In summary, the available evidence is currently insufficient to determine the role of this variant in disease. Therefore, it has been classified as a Variant of Uncertain Significance.